The following is an entry in ClinVar:

NM_000701.8(ATP1A1):c.3040G>A (p.Gly1014Ser)

Genes: ATP1A1 (ATPase Na+/K+ transporting subunit alpha 1; plus strand), ATP1A1-AS1 (ATP1A1 antisense RNA 1; minus strand). Cytogenetic location: 1p13.1.
Variant type: single nucleotide variant.
Coding change: c.3040G>A on transcript NM_000701.8 (MANE Select); coding-DNA position 3040, G replaced by A.
Protein change: p.Gly1014Ser; replaces glycine 1014 with serine.
Molecular consequence: missense variant.
Genome position (GRCh38, 1-based): chr1:116,403,972, G>A. VCF-style: chr1-116403972-G-A. GRCh37 (hg19) VCF-style: chr1-116946594-G-A.
Other names: c.3040G>A (NM_000701.7); c.3040G>A, p.Gly1014Ser (NM_001160233.2); c.2947G>A, p.Gly983Ser (NM_001160234.2); short protein forms G983S, G1014S.
Identifiers: ClinVar variation 1491221 (VCV001491221.7), dbSNP rs1414092859, ClinGen allele CA341777489.

ClinVar aggregate classification (germline): Uncertain significance. Review status: criteria provided, multiple submitters, no conflicts (2 of 4 stars). 2 submissions from 2 submitters: Uncertain significance (2). Last evaluated 2026-09-03.

Conditions:
ATP1A1-related disorder. Also called: ATP1A1-related condition.

Allele frequency attached by ClinVar (database versions not stated): gnomAD exomes below 0.00001; TOPMed below 0.00001.
gnomAD v4.1: 1 of 1,613,828 alleles (0.000062%); highest among the groups gnomAD compares: Non-Finnish European, 0.000085%; no homozygotes.

Submissions (2):

PreventionGenetics, part of Exact Sciences
Classification: Uncertain significance for ATP1A1-related condition. Last evaluated: 2026-09-03. Review status: criteria provided, single submitter. Criteria: ACMG Guidelines, 2015. Collection method: clinical testing. Allele origin: germline.
Comment: The ATP1A1 c.3040G>A variant is predicted to result in the amino acid substitution p.Gly1014Ser. To our knowledge, this variant has not been reported in the literature. This variant is reported in 0.00088% of alleles in individuals of European (Non-Finnish) descent in gnomAD. At this time, the clinical significance of this variant is uncertain due to the absence of conclusive functional and genetic evidence.

Labcorp Genetics (formerly Invitae), Labcorp
Classification: Uncertain significance. Last evaluated: 2021-11-27. Review status: criteria provided, single submitter. Criteria: Invitae Variant Classification Sherloc (09022015). Collection method: clinical testing. Allele origin: germline.
Comment: In summary, the available evidence is currently insufficient to determine the role of this variant in disease. Therefore, it has been classified as a Variant of Uncertain Significance. Advanced modeling of protein sequence and biophysical properties (such as structural, functional, and spatial information, amino acid conservation, physicochemical variation, residue mobility, and thermodynamic stability) performed at Invitae indicates that this missense variant is expected to disrupt ATP1A1 protein function. This variant has not been reported in the literature in individuals affected with ATP1A1-related conditions. This variant is present in population databases (no rsID available, gnomAD 0.0009%). This sequence change replaces glycine, which is neutral and non-polar, with serine, which is neutral and polar, at codon 1014 of the ATP1A1 protein (p.Gly1014Ser).